The following is an entry in ClinVar:

NM_004655.4(AXIN2):c.1230A>G (p.Thr410=)

Gene: AXIN2 (axin 2; minus strand). Cytogenetic location: 17q24.1.
Variant type: single nucleotide variant.
Coding change: c.1230A>G on transcript NM_004655.4 (MANE Select); coding-DNA position 1230, A replaced by G.
Protein change: p.Thr410=; no amino-acid change (threonine 410 retained).
Molecular consequence: synonymous variant.
Genome position (GRCh38, 1-based): chr17:65,537,806, T>C on the plus strand (A>G on the coding strand, the complement: AXIN2 is on the minus strand). VCF-style: chr17-65537806-T-C. GRCh37 (hg19) VCF-style: chr17-63533924-T-C.
Other names: c.1230A>G, p.Thr410= (NM_001363813.1); c.1230A>G (NM_004655.3).
Identifiers: ClinVar variation 1082944 (VCV001082944.11), dbSNP rs778125851, ClinGen allele CA8718710.

ClinVar aggregate classification (germline): Benign/Likely benign. Review status: criteria provided, multiple submitters, no conflicts (2 of 4 stars). 3 submissions from 3 submitters: Benign (1); Likely benign (2). Last evaluated 2025-10-29.

Conditions:
Hereditary cancer-predisposing syndrome. Also called: Hereditary Cancer Syndrome; Neoplastic Syndromes, Hereditary; Tumor predisposition; Hereditary neoplastic syndrome. Identifiers: Orphanet 140162, MedGen C0027672, MeSH D009386, MONDO:0015356.
Oligodontia-cancer predisposition syndrome. Also called: TOOTH AGENESIS-COLORECTAL CANCER SYNDROME. Identifiers: Orphanet 300576, MedGen C1837750, MONDO:0012075, OMIM 608615. Disease mechanism: loss of function.

Allele frequency attached by ClinVar (database versions not stated): gnomAD exomes below 0.00001; ExAC 0.00003.
gnomAD v4.1: 2 of 1,582,842 alleles (0.00013%); highest among the groups gnomAD compares: Non-Finnish European, 0.000086%; no homozygotes.

Submissions (3):

Labcorp Genetics (formerly Invitae), Labcorp
Classification: Likely benign for Oligodontia-cancer predisposition syndrome. Last evaluated: 2025-10-29. Review status: criteria provided, single submitter. Criteria: Invitae Variant Classification Sherloc (09022015). Collection method: clinical testing. Allele origin: germline.

Myriad Genetics, Inc.
Classification: Benign for Oligodontia-cancer predisposition syndrome. Last evaluated: 2024-07-02. Review status: criteria provided, single submitter. Criteria: Myriad Autosomal Dominant, Autosomal Recessive and X-Linked Classification Criteria (2023). Collection method: clinical testing. Allele origin: unknown.
Comment: This variant is considered benign. This variant is a silent/synonymous amino acid change and it is not expected to impact splicing.

Ambry Genetics
Classification: Likely benign for Hereditary cancer-predisposing syndrome. Last evaluated: 2023-08-31. Review status: criteria provided, single submitter. Criteria: Ambry Variant Classification Scheme 2023. Collection method: clinical testing. Allele origin: germline.